The following is an entry in ClinVar:

NM_016247.4(IMPG2):c.3002dup (p.Tyr1001Ter)

Gene: IMPG2 (interphotoreceptor matrix proteoglycan 2; minus strand). Cytogenetic location: 3q12.3.
Variant type: Duplication.
Coding change: c.3002dup on transcript NM_016247.4 (MANE Select); coding-DNA position 3002, one base duplicated (A; older notation c.3002dupA).
Protein change: p.Tyr1001Ter; replaces tyrosine 1001 with a stop codon.
Molecular consequence: nonsense.
Genome position (GRCh38, 1-based): chr3:101,242,708, T duplicated on the plus strand (A on the coding strand, the reverse complement: IMPG2 is on the minus strand). VCF-style (leftmost placement, unchanged base first): chr3-101242707-G-GT. GRCh37 (hg19) VCF-style: chr3-100961551-G-GT.
Other names: short protein forms Y1001*.
Identifiers: ClinVar variation 945852 (VCV000945852.7), dbSNP rs1706423187, ClinGen allele CA1139658208.

ClinVar aggregate classification (germline): Pathogenic (1 of 4 stars; one submission).

Submission:

Labcorp Genetics (formerly Invitae), Labcorp
Classification: Pathogenic. Last evaluated: 2019-08-21. Review status: criteria provided, single submitter. Criteria: Invitae Variant Classification Sherloc (09022015). Collection method: clinical testing. Allele origin: germline.
Comment: This sequence change creates a premature translational stop signal (p.Tyr1001*) in the IMPG2 gene. It is expected to result in an absent or disrupted protein product. This variant is not present in population databases (ExAC no frequency). For these reasons, this variant has been classified as Pathogenic. Loss-of-function variants in IMPG2 are known to be pathogenic (PMID: 20673862, 28644393). This variant has not been reported in the literature in individuals with IMPG2-related conditions.

Literature cited by the submitters: PubMed 20673862; PubMed 28644393.